The following is an entry in ClinVar:

NM_006147.4(IRF6):c.1245T>G (p.Asp415Glu)

Gene: IRF6 (interferon regulatory factor 6; minus strand). Cytogenetic location: 1q32.2.
Variant type: single nucleotide variant.
Coding change: c.1245T>G on transcript NM_006147.4 (MANE Select); coding-DNA position 1245, T replaced by G.
Protein change: p.Asp415Glu; replaces aspartic acid 415 with glutamic acid.
Molecular consequence: missense variant.
Genome position (GRCh38, 1-based): chr1:209,788,579, A>C on the plus strand (T>G on the coding strand, the complement: IRF6 is on the minus strand). VCF-style: chr1-209788579-A-C. GRCh37 (hg19) VCF-style: chr1-209961924-A-C.
Other names: c.960T>G, p.Asp320Glu (NM_001206696.2); short protein forms D320E, D415E.
Identifiers: ClinVar variation 2581838 (VCV002581838.1), dbSNP rs2464663965, ClinGen allele CA344573268.

ClinVar aggregate classification (germline): Uncertain significance (1 of 4 stars; one submission).

Submission:

GeneDx
Classification: Uncertain significance. Last evaluated: 2023-03-30. Review status: criteria provided, single submitter. Criteria: GeneDx Variant Classification Process June 2021. Collection method: clinical testing. Allele origin: germline. Affected: yes.
Comment: Not observed at significant frequency in large population cohorts (gnomAD); In silico analysis supports that this missense variant does not alter protein structure/function; Has not been previously published as pathogenic or benign to our knowledge